The following is an entry in ClinVar:

ClinVar aggregate classification (germline): Pathogenic (1 of 4 stars; one submission).

Submission:

Labcorp Genetics (formerly Invitae), Labcorp
Classification: Pathogenic. Last evaluated: 2022-08-08. Review status: criteria provided, single submitter. Criteria: Invitae Variant Classification Sherloc (09022015). Collection method: clinical testing. Allele origin: germline.
Comment: This sequence change creates a premature translational stop signal (p.Arg86Glufs*3) in the PIK3C2A gene. It is expected to result in an absent or disrupted protein product. Loss-of-function variants in PIK3C2A are known to be pathogenic (PMID: 31034465). This variant is not present in population databases (gnomAD no frequency). This variant has not been reported in the literature in individuals affected with PIK3C2A-related conditions. For these reasons, this variant has been classified as Pathogenic.

Literature cited by the submitters: PubMed 31034465.

NM_002645.4(PIK3C2A):c.256del (p.Arg86fs)

Gene: PIK3C2A (phosphatidylinositol-4-phosphate 3-kinase catalytic subunit type 2 alpha; minus strand). Cytogenetic location: 11p15.1.
Variant type: Deletion.
Coding change: c.256del on transcript NM_002645.4 (MANE Select); coding-DNA position 256, one base deleted (A; older notation c.256delA).
Protein change: p.Arg86fs; shifts the reading frame from arginine 86.
Molecular consequence: frameshift variant. On other transcripts: intron variant (1).
Genome position (GRCh38, 1-based): chr11:17,169,486, T deleted on the plus strand (A on the coding strand, the reverse complement: PIK3C2A is on the minus strand); the first of 6 consecutive T bases (chr11:17,169,486-17,169,491); deleting any one gives the same sequence. VCF-style (leftmost placement, unchanged base first): chr11-17169485-CT-C. GRCh37 (hg19) VCF-style: chr11-17191032-CT-C.
Other names: c.256del, p.Arg86fs (NM_001321378.2, NM_001386870.1); c.-75-13857del (NM_001321380.2); short protein forms R86fs.
Identifiers: ClinVar variation 2022801 (VCV002022801.4), dbSNP rs1565288355, ClinGen allele CA2580082729.
Genomic context (GRCh38, chr11:17,169,485, plus strand): 5'-TCCAGCAATAGTTTCTCAAGTTCAGCTTGGGTGAGCTTTTCTACATCAATATCTAATGCT[CT>C]TTTTTGGGAATCTGATTCAGGAAACACCATGAGATCATAATCCTGCTTGTTATAAACCTG-3'